The following is an entry in ClinVar:

ClinVar aggregate classification (germline): Uncertain significance (1 of 4 stars; one submission).

Conditions:
Rhabdoid tumor predisposition syndrome 2 (RTPS2). Identifiers: Orphanet 231108, Orphanet 69077, MedGen C2750074, MONDO:0013224, OMIM 613325.

Submission:

Labcorp Genetics (formerly Invitae), Labcorp
Classification: Uncertain significance for Rhabdoid tumor predisposition syndrome 2. Last evaluated: 2022-11-06. Review status: criteria provided, single submitter. Criteria: Invitae Variant Classification Sherloc (09022015). Collection method: clinical testing. Allele origin: germline.
Comment: In summary, the available evidence is currently insufficient to determine the role of this variant in disease. Therefore, it has been classified as a Variant of Uncertain Significance. Experimental studies and prediction algorithms are not available or were not evaluated, and the functional significance of this variant is currently unknown. This variant has not been reported in the literature in individuals affected with SMARCA4-related conditions. Information on the frequency of this variant in the gnomAD database is not available, as this variant may be reported differently in the database. This sequence change replaces aspartic acid, which is acidic and polar, with tyrosine, which is neutral and polar, at codon 1662 of the SMARCA4 protein (p.Asp1662Tyr).

NM_003072.5(SMARCA4):c.4887_4888delinsCT (p.Asp1630Tyr)

Gene: SMARCA4 (SWI/SNF related BAF chromatin remodeling complex subunit ATPase 4; plus strand). Cytogenetic location: 19p13.2.
Variant type: Indel.
Coding change: c.4887_4888delinsCT on transcript NM_003072.5 (MANE Select); coding-DNA positions 4887 to 4888, TG replaced by CT.
Protein change: p.Asp1630Tyr; replaces aspartic acid 1630 with tyrosine.
Molecular consequence: missense variant. On other transcripts: non-coding transcript variant (1).
Genome position (GRCh38, 1-based): chr19:11,060,163-11,060,164, TG replaced by CT. VCF-style: chr19-11060163-TG-CT. GRCh37 (hg19) VCF-style: chr19-11170839-TG-CT.
Other names: c.4887_4888delinsCT, p.Asp1630Tyr (NM_001128844.3); c.4797_4798delinsCT, p.Asp1600Tyr (NM_001128845.2); c.4794_4795delinsCT, p.Asp1599Tyr (NM_001128846.2); c.4788_4789delinsCT, p.Asp1597Tyr (NM_001128847.4, NM_001374457.1); c.4785_4786delinsCT, p.Asp1596Tyr (NM_001128848.2); c.4983_4984delinsCT, p.Asp1662Tyr (NM_001128849.3, NM_001387283.1); c.4884_4885delTGinsCT, p.Asp1629Tyr (NM_001411150.1); short protein forms D1597Y, D1630Y, D1596Y, D1629Y, D1599Y, D1600Y, D1662Y.
Identifiers: ClinVar variation 1963327 (VCV001963327.5), dbSNP rs2515822673, ClinGen allele CA2580096385.